The following is an entry in ClinVar:

ClinVar aggregate classification (germline): Uncertain significance (0 of 4 stars; one submission).

Conditions:
ATOH1-related disorder. Also called: ATOH1-related condition.

Submission:

PreventionGenetics, part of Exact Sciences
Classification: Uncertain significance for ATOH1-related condition. Last evaluated: 2024-09-04. Review status: no assertion criteria provided. Collection method: clinical testing. Allele origin: germline.
Comment: The ATOH1 c.73C>G variant is predicted to result in the amino acid substitution p.Pro25Ala. To our knowledge, this variant has not been reported in the literature. This variant is reported in 0.0028% of alleles in individuals of Latino descent in gnomAD. At this time, the clinical significance of this variant is uncertain due to the absence of conclusive functional and genetic evidence.

NM_005172.2(ATOH1):c.73C>G (p.Pro25Ala)

Gene: ATOH1 (atonal bHLH transcription factor 1; plus strand). Cytogenetic location: 4q22.2.
Variant type: single nucleotide variant.
Coding change: c.73C>G on transcript NM_005172.2 (MANE Select); coding-DNA position 73, C replaced by G.
Protein change: p.Pro25Ala; replaces proline 25 with alanine.
Molecular consequence: missense variant.
Genome position (GRCh38, 1-based): chr4:93,828,999, C>G. VCF-style: chr4-93828999-C-G. GRCh37 (hg19) VCF-style: chr4-94750150-C-G.
Other names: short protein forms P25A.
Identifiers: ClinVar variation 3358697 (VCV003358697.1).